The following is an entry in ClinVar:

ClinVar aggregate classification (germline): Uncertain significance (1 of 4 stars; one submission).

Conditions:
Myofibrillar myopathy 4. Also called: Zaspopathy (type). Identifiers: Orphanet 98912, MedGen C4721886, MONDO:0012277, OMIM 609452.

Submission:

Labcorp Genetics (formerly Invitae), Labcorp
Classification: Uncertain significance for Myofibrillar myopathy 4. Last evaluated: 2023-04-15. Review status: criteria provided, single submitter. Criteria: Invitae Variant Classification Sherloc (09022015). Collection method: clinical testing. Allele origin: germline.
Comment: ClinVar contains an entry for this variant (Variation ID: 1473354). In summary, the available evidence is currently insufficient to determine the role of this variant in disease. Therefore, it has been classified as a Variant of Uncertain Significance. An algorithm developed to predict the effect of missense changes on protein structure and function (PolyPhen-2) suggests that this variant is likely to be disruptive. This variant has not been reported in the literature in individuals affected with LDB3-related conditions. This variant is not present in population databases (gnomAD no frequency). This sequence change replaces alanine, which is neutral and non-polar, with glycine, which is neutral and non-polar, at codon 232 of the LDB3 protein (p.Ala232Gly).

NM_007078.3(LDB3):c.836C>G (p.Ala279Gly)

Gene: LDB3 (LIM domain binding 3; plus strand). Cytogenetic location: 10q23.2.
Variant type: single nucleotide variant.
Coding change: c.836C>G on transcript NM_007078.3 (MANE Select); coding-DNA position 836, C replaced by G.
Protein change: p.Ala279Gly; replaces alanine 279 with glycine.
Molecular consequence: missense variant.
Genome position (GRCh38, 1-based): chr10:86,692,042, C>G. VCF-style: chr10-86692042-C-G. GRCh37 (hg19) VCF-style: chr10-88451799-C-G.
Other names: c.695C>G, p.Ala232Gly (NM_001080114.2, NM_001080116.1, NM_001368066.1 and 2 more transcripts); c.836C>G, p.Ala279Gly (NM_001080115.2, NM_001368063.1, NM_001368064.1 and 1 more transcripts); c.1040C>G, p.Ala347Gly (NM_001171610.2, NM_001171611.2); short protein forms A347G, A279G, A232G.
Identifiers: ClinVar variation 1473354 (VCV001473354.8), dbSNP rs2132415804, ClinGen allele CA377443388.